The following is an entry in ClinVar:

NM_177438.3(DICER1):c.3623A>C (p.Glu1208Ala)

Gene: DICER1 (dicer 1, ribonuclease III; minus strand). Cytogenetic location: 14q32.13.
Variant type: single nucleotide variant.
Coding change: c.3623A>C on transcript NM_177438.3 (MANE Select); coding-DNA position 3623, A replaced by C.
Protein change: p.Glu1208Ala; replaces glutamic acid 1208 with alanine.
Molecular consequence: missense variant. On other transcripts: non-coding transcript variant (6).
Genome position (GRCh38, 1-based): chr14:95,103,773, T>G on the plus strand (A>C on the coding strand, the complement: DICER1 is on the minus strand). VCF-style: chr14-95103773-T-G. GRCh37 (hg19) VCF-style: chr14-95570110-T-G.
Other names: c.3623A>C, p.Glu1208Ala (NM_001195573.1, NM_001271282.3, NM_001291628.2 and 13 more transcripts); c.3341A>C, p.Glu1114Ala (NM_001395686.1); c.3218A>C, p.Glu1073Ala (NM_001395687.1, NM_001395688.1, NM_001395689.1 and 2 more transcripts); c.3056A>C, p.Glu1019Ala (NM_001395691.1); c.1940A>C, p.Glu647Ala (NM_001395697.1); short protein forms E1208A, E1114A, E1073A, E1019A, E647A.
Identifiers: ClinVar variation 1733343 (VCV001733343.3), dbSNP rs1891132166, ClinGen allele CA390874633.

ClinVar aggregate classification (germline): Uncertain significance (1 of 4 stars; one submission).

Conditions:
Hereditary cancer-predisposing syndrome. Also called: Neoplastic Syndromes, Hereditary; Tumor predisposition; Hereditary Cancer Syndrome; Hereditary neoplastic syndrome. Identifiers: Orphanet 140162, MedGen C0027672, MeSH D009386, MONDO:0015356.

Submission:

Ambry Genetics
Classification: Uncertain significance for Hereditary cancer-predisposing syndrome. Last evaluated: 2022-04-19. Review status: criteria provided, single submitter. Criteria: Ambry Variant Classification Scheme 2023. Collection method: clinical testing. Allele origin: germline.
Comment: The p.E1208A variant (also known as c.3623A>C), located in coding exon 20 of the DICER1 gene, results from an A to C substitution at nucleotide position 3623. The glutamic acid at codon 1208 is replaced by alanine, an amino acid with dissimilar properties. This amino acid position is conserved. In addition, the in silico prediction for this alteration is inconclusive. Since supporting evidence is limited at this time, the clinical significance of this alteration remains unclear.